The following is an entry in ClinVar:

NM_001082.5(CYP4F2):c.554G>T (p.Gly185Val)

Gene: CYP4F2 (cytochrome P450 family 4 subfamily F member 2; minus strand). Cytogenetic location: 19p13.12.
Variant type: single nucleotide variant.
Coding change: c.554G>T on transcript NM_001082.5 (MANE Select); coding-DNA position 554, G replaced by T.
Protein change: p.Gly185Val; replaces glycine 185 with valine.
Molecular consequence: missense variant.
Genome position (GRCh38, 1-based): chr19:15,890,405, C>A on the plus strand (G>T on the coding strand, the complement: CYP4F2 is on the minus strand). VCF-style: chr19-15890405-C-A. GRCh37 (hg19) VCF-style: chr19-16001215-C-A.
Other names: NC_000019.9:g.16001215C>A; short protein forms G185V.
Identifiers: ClinVar variation 3055377 (VCV003055377.3), dbSNP rs3093153, ClinGen allele CA9273958.

ClinVar aggregate classification (germline): Benign (0 of 4 stars; one submission).

Conditions:
CYP4F2-related disorder. Also called: CYP4F2-related condition.

Allele frequency attached by ClinVar (database versions not stated): 1000 Genomes Project 0.02995; 1000 Genomes Project 30x 0.03061; TOPMed 0.04486; ExAC 0.04714; gnomAD 0.04896; ESP Exome Variant Server 0.04936.
gnomAD v4.1: 78,058 of 1,613,994 alleles (4.8%); highest among the groups gnomAD compares: Non-Finnish European, 5.3%; 2,286 homozygotes.

Submissions (9):

PreventionGenetics, part of Exact Sciences
Classification: Benign for CYP4F2-related condition. Last evaluated: 2019-05-06. Review status: no assertion criteria provided. Collection method: clinical testing. Allele origin: germline.
Comment: This variant is classified as benign based on ACMG/AMP sequence variant interpretation guidelines (Richards et al. 2015 PMID: 25741868, with internal and published modifications).

Dr. Peter K. Rogan Lab, Western University
No classification provided (evidence only). Condition: Acute myeloid leukemia. Review status: no classification provided. Collection method: in vitro. Allele origin: not applicable. Functional consequence: skipped exon, retained intron. Not counted in ClinVar's aggregate classification.

Dr. Peter K. Rogan Lab, Western University
No classification provided (evidence only). Condition: Colon adenocarcinoma. Review status: no classification provided. Collection method: in vitro. Allele origin: not applicable. Functional consequence: skipped exon. Not counted in ClinVar's aggregate classification.

Dr. Peter K. Rogan Lab, Western University
No classification provided (evidence only). Condition: Colon adenocarcinoma. Review status: no classification provided. Collection method: in vitro. Allele origin: not applicable. Functional consequence: skipped exon, retained intron. Not counted in ClinVar's aggregate classification.

Dr. Peter K. Rogan Lab, Western University
No classification provided (evidence only). Condition: Colon adenocarcinoma. Review status: no classification provided. Collection method: in vitro. Allele origin: not applicable. Functional consequence: skipped exon. Not counted in ClinVar's aggregate classification.

Dr. Peter K. Rogan Lab, Western University
No classification provided (evidence only). Condition: Colon adenocarcinoma. Review status: no classification provided. Collection method: in vitro. Allele origin: not applicable. Functional consequence: skipped exon, retained intron. Not counted in ClinVar's aggregate classification.

Dr. Peter K. Rogan Lab, Western University
No classification provided (evidence only). Condition: Colorectal cancer. Review status: no classification provided. Collection method: in vitro. Allele origin: not applicable. Functional consequence: skipped exon, retained intron. Not counted in ClinVar's aggregate classification.

Dr. Peter K. Rogan Lab, Western University
No classification provided (evidence only). Condition: Cholangiocarcinoma. Review status: no classification provided. Collection method: in vitro. Allele origin: not applicable. Functional consequence: retained intron. Not counted in ClinVar's aggregate classification.

Dr. Peter K. Rogan Lab, Western University
No classification provided (evidence only). Condition: Cholangiocarcinoma. Review status: no classification provided. Collection method: in vitro. Allele origin: not applicable. Functional consequence: skipped exon, retained intron. Not counted in ClinVar's aggregate classification.